The following is an entry in ClinVar:

ClinVar aggregate classification (germline): Uncertain significance (1 of 4 stars; one submission).

Allele frequency attached by ClinVar (database versions not stated): gnomAD exomes below 0.00001 and 0.00001; TOPMed below 0.00001; ExAC 0.00001; gnomAD 0.00001.

Submission:

GeneDx
Classification: Uncertain significance. Last evaluated: 2019-07-17. Review status: criteria provided, single submitter. Criteria: GeneDx Variant Classification Process June 2021. Collection method: clinical testing. Allele origin: germline. Affected: yes.
Comment: Has not been previously published as pathogenic or benign to our knowledge; Not observed at a significant frequency in large population cohorts (Lek et al., 2016); In silico analysis, which includes protein predictors and evolutionary conservation, supports that this variant does not alter protein structure/function

NM_005006.7(NDUFS1):c.944C>T (p.Thr315Ile)

Gene: NDUFS1 (NADH:ubiquinone oxidoreductase core subunit S1; minus strand). Cytogenetic location: 2q33.3.
Variant type: single nucleotide variant.
Coding change: c.944C>T on transcript NM_005006.7 (MANE Select); coding-DNA position 944, C replaced by T.
Protein change: p.Thr315Ile; replaces threonine 315 with isoleucine.
Molecular consequence: missense variant.
Genome position (GRCh38, 1-based): chr2:206,144,061, G>A on the plus strand (C>T on the coding strand, the complement: NDUFS1 is on the minus strand). VCF-style: chr2-206144061-G-A. GRCh37 (hg19) VCF-style: chr2-207008785-G-A.
Other names: c.836C>T, p.Thr279Ile (NM_001199981.2); c.611C>T, p.Thr204Ile (NM_001199982.2); c.773C>T, p.Thr258Ile (NM_001199983.2); c.986C>T, p.Thr329Ile (NM_001199984.2); short protein forms T204I, T258I, T279I, T315I, T329I.
Identifiers: ClinVar variation 1307131 (VCV001307131.2), dbSNP rs749532780, ClinGen allele CA2070617.